The following is an entry in ClinVar:

NM_000039.3(APOA1):c.328A>G (p.Met110Val)

Genes: APOA1 (apolipoprotein A1; minus strand), APOA1-AS (APOA1 antisense RNA; plus strand). Cytogenetic location: 11q23.3.
Variant type: single nucleotide variant.
Coding change: c.328A>G on transcript NM_000039.3 (MANE Select); coding-DNA position 328, A replaced by G.
Protein change: p.Met110Val; replaces methionine 110 with valine.
Molecular consequence: missense variant.
Genome position (GRCh38, 1-based): chr11:116,836,284, T>C on the plus strand (A>G on the coding strand, the complement: APOA1 is on the minus strand). VCF-style: chr11-116836284-T-C. GRCh37 (hg19) VCF-style: chr11-116707000-T-C.
Other names: c.328A>G, p.Met110Val (NM_001318017.2, NM_001318018.2); c.1A>G, p.Met1Val (NM_001318021.2); short protein forms M110V, M1V.
Identifiers: ClinVar variation 1365173 (VCV001365173.9), dbSNP rs2134231318, ClinGen allele CA382716729.

ClinVar aggregate classification (germline): Uncertain significance. Review status: criteria provided, multiple submitters, no conflicts (2 of 4 stars). 2 submissions from 2 submitters: Uncertain significance (2). Last evaluated 2024-08-12.

Conditions:
Cardiovascular phenotype. Identifiers: MedGen CN230736.

Allele frequency attached by ClinVar (database versions not stated): gnomAD exomes 0.00001.

Submissions (2):

Ambry Genetics
Classification: Uncertain significance for Cardiovascular phenotype. Last evaluated: 2024-08-12. Review status: criteria provided, single submitter. Criteria: Ambry Variant Classification Scheme 2023. Collection method: clinical testing. Allele origin: germline.
Comment: The p.M110V variant (also known as c.328A>G), located in coding exon 3 of the APOA1 gene, results from an A to G substitution at nucleotide position 328. The methionine at codon 110 is replaced by valine, an amino acid with highly similar properties. This amino acid position is conserved. In addition, this alteration is predicted to be tolerated by in silico analysis. Based on the available evidence, the clinical significance of this variant remains unclear.

Labcorp Genetics (formerly Invitae), Labcorp
Classification: Uncertain significance. Last evaluated: 2024-03-13. Review status: criteria provided, single submitter. Criteria: Invitae Variant Classification Sherloc (09022015). Collection method: clinical testing. Allele origin: germline.
Comment: This sequence change replaces methionine, which is neutral and non-polar, with valine, which is neutral and non-polar, at codon 110 of the APOA1 protein (p.Met110Val). This variant is not present in population databases (gnomAD no frequency). This variant has not been reported in the literature in individuals affected with APOA1-related conditions. ClinVar contains an entry for this variant (Variation ID: 1365173). Advanced modeling of protein sequence and biophysical properties (such as structural, functional, and spatial information, amino acid conservation, physicochemical variation, residue mobility, and thermodynamic stability) performed at Invitae indicates that this missense variant is not expected to disrupt APOA1 protein function with a negative predictive value of 80%. In summary, the available evidence is currently insufficient to determine the role of this variant in disease. Therefore, it has been classified as a Variant of Uncertain Significance.